The following is an entry in ClinVar:

ClinVar aggregate classification (germline): Uncertain significance (1 of 4 stars; one submission).

Submission:

CeGaT Center for Human Genetics Tuebingen
Classification: Uncertain significance. Last evaluated: 2022-03-01. Review status: criteria provided, single submitter. Criteria: CeGaT Center For Human Genetics Tuebingen Variant Classification Criteria Version 2. Collection method: clinical testing. Allele origin: germline. Affected: yes. Observed: 1 variant allele.
Comment: NOTCH1: PM2, PP2

NM_017617.5(NOTCH1):c.6926A>G (p.Glu2309Gly)

Gene: NOTCH1 (notch receptor 1; minus strand). Cytogenetic location: 9q34.3.
Variant type: single nucleotide variant.
Coding change: c.6926A>G on transcript NM_017617.5 (MANE Select); coding-DNA position 6926, A replaced by G.
Protein change: p.Glu2309Gly; replaces glutamic acid 2309 with glycine.
Molecular consequence: missense variant.
Genome position (GRCh38, 1-based): chr9:136,496,813, T>C on the plus strand (A>G on the coding strand, the complement: NOTCH1 is on the minus strand). VCF-style: chr9-136496813-T-C. GRCh37 (hg19) VCF-style: chr9-139391265-T-C.
Other names: short protein forms E2309G.
Identifiers: ClinVar variation 2659742 (VCV002659742.24), dbSNP rs2540421434, ClinGen allele CA375629770.